The following is an entry in ClinVar:

NM_005360.5(MAF):c.285C>A (p.Thr95=)

Gene: MAF (MAF bZIP transcription factor; minus strand). Cytogenetic location: 16q23.2.
Variant type: single nucleotide variant.
Coding change: c.285C>A on transcript NM_005360.5 (MANE Select); coding-DNA position 285, C replaced by A.
Protein change: p.Thr95=; no amino-acid change (threonine 95 retained).
Molecular consequence: synonymous variant.
Genome position (GRCh38, 1-based): chr16:79,599,618, G>T on the plus strand (C>A on the coding strand, the complement: MAF is on the minus strand). VCF-style: chr16-79599618-G-T. GRCh37 (hg19) VCF-style: chr16-79633515-G-T.
Other names: c.285C>A, p.Thr95= (NM_001031804.3).
Identifiers: ClinVar variation 1540002 (VCV001540002.26), dbSNP rs369752568, ClinGen allele CA8184073.

ClinVar aggregate classification (germline): Likely benign. Review status: criteria provided, multiple submitters, no conflicts (2 of 4 stars). 2 submissions from 2 submitters: Likely benign (2). Last evaluated 2024-10-27.

Conditions:
Cataract 21 multiple types. Also called: CATARACT 21, MULTIPLE TYPES, WITH MICROCORNEA; Cataract, congenital, cerulean type, 4; CATARACT 21, MULTIPLE TYPES, WITH OR WITHOUT MICROCORNEA; CATARACT 21, CERULEAN, WITH OR WITHOUT MICROCORNEA. Identifiers: Orphanet 91492, MedGen C1857768, MONDO:0012437, OMIM 610202.
Ayme-Gripp syndrome. Also called: Aymé-Gripp Syndrome. Identifiers: MedGen C1832812, MONDO:0010992, OMIM 601088.

Allele frequency attached by ClinVar (database versions not stated): ESP Exome Variant Server 0.00008; gnomAD 0.00010; TOPMed 0.00015; ExAC 0.00019.
gnomAD v4.1: 631 of 1,610,840 alleles (0.039%); highest among the groups gnomAD compares: Non-Finnish European, 0.052%; no homozygotes.

Submissions (2):

Labcorp Genetics (formerly Invitae), Labcorp
Classification: Likely benign for Cataract 21 multiple types; Ayme-Gripp syndrome. Last evaluated: 2024-10-27. Review status: criteria provided, single submitter. Criteria: Invitae Variant Classification Sherloc (09022015). Collection method: clinical testing. Allele origin: germline.

CeGaT Center for Human Genetics Tuebingen
Classification: Likely benign. Last evaluated: 2024-07-01. Review status: criteria provided, single submitter. Criteria: CeGaT Center For Human Genetics Tuebingen Variant Classification Criteria Version 2. Collection method: clinical testing. Allele origin: germline. Affected: yes. Observed: 1 variant allele.
Comment: MAF: BP4, BP7